The following is an entry in ClinVar:

NM_024537.4(CARS2):c.244G>A (p.Val82Ile)

Gene: CARS2 (cysteinyl-tRNA synthetase 2, mitochondrial; minus strand). Cytogenetic location: 13q34.
Variant type: single nucleotide variant.
Coding change: c.244G>A on transcript NM_024537.4 (MANE Select); coding-DNA position 244, G replaced by A.
Protein change: p.Val82Ile; replaces valine 82 with isoleucine.
Molecular consequence: missense variant. On other transcripts: 5 prime UTR variant (1), non-coding transcript variant (2).
Genome position (GRCh38, 1-based): chr13:110,705,552, C>T on the plus strand (G>A on the coding strand, the complement: CARS2 is on the minus strand). VCF-style: chr13-110705552-C-T. GRCh37 (hg19) VCF-style: chr13-111357899-C-T.
Other names: c.-756G>A (NM_001352252.2); c.244G>A, p.Val82Ile (NM_001352253.3); short protein forms V82I.
Identifiers: ClinVar variation 542307 (VCV000542307.17), dbSNP rs117788141, ClinGen allele CA7052336.
Genomic context (GRCh38, chr13:110,705,552, plus strand): 5'-GTATGAAAATTCAAATCCAGGAAACTCACCAAGCATGGCCAAGGTGCGCATGATCATATA[C>T]AGTTGGTCCACAGCTATACCTGGAAACAAAGTTAAAATCCATCGTGTGGAACATATTTGC-3'
Protein context (NP_078813.1, residues 72-92): AASWYSCGPT[Val82Ile]YDHAHLGHAC

ClinVar aggregate classification (germline): Conflicting classifications of pathogenicity. Review status: criteria provided, conflicting classifications (1 of 4 stars). 6 submissions from 6 submitters: Uncertain significance (5); Likely benign (1). Last evaluated 2026-05-01.

Conditions:
Combined oxidative phosphorylation defect type 27. Also called: Combined oxidative phosphorylation deficiency 27. Identifiers: Orphanet 477774, MedGen C5567608, MONDO:0014728, OMIM 616672.

Allele frequency attached by ClinVar (database versions not stated): 1000 Genomes Project 30x 0.00016; 1000 Genomes Project 0.00020; ExAC 0.00047; gnomAD exomes 0.00047; gnomAD 0.00054 and 0.00055; TOPMed 0.00055; ESP Exome Variant Server 0.00123.
gnomAD v4.1: 1,418 of 1,613,236 alleles (0.088%); highest among the groups gnomAD compares: Non-Finnish European, 0.11%; no homozygotes.

Submissions (6):

CeGaT Center for Human Genetics Tuebingen
Classification: Uncertain significance. Last evaluated: 2026-05-01. Review status: criteria provided, single submitter. Criteria: CeGaT Center For Human Genetics Tuebingen Variant Classification Criteria Version 2. Collection method: clinical testing. Allele origin: germline. Affected: yes. Observed: 1 variant allele.
Comment: CARS2: PM2

Blueprint Genetics
Classification: Uncertain significance. Last evaluated: 2024-07-23. Review status: criteria provided, single submitter. Criteria: ACMG Guidelines, 2015. Collection method: clinical testing. Allele origin: germline.

Women's Health and Genetics/Laboratory Corporation of America, LabCorp
Classification: Uncertain significance. Last evaluated: 2024-02-19. Review status: criteria provided, single submitter. Criteria: LabCorp Variant Classification Summary - May 2015. Collection method: clinical testing. Allele origin: germline.
Comment: Variant summary: CARS2 c.244G>A (p.Val82Ile) results in a conservative amino acid change located in the catalytic domain (IPR032678) of the encoded protein sequence. Three of five in-silico tools predict a damaging effect of the variant on protein function. The variant allele was found at a frequency of 0.00088 (i.e. in 1418 heterozygotes) in 1606264 control chromosomes (gnomAD v4.0). To our knowledge, no occurrence of c.244G>A in individuals affected with Combined Oxidative Phosphorylation Defect Type 27 and no experimental evidence demonstrating its impact on protein function have been reported. ClinVar contains an entry for this variant (Variation ID: 542307). Based on the evidence outlined above, the variant was classified as uncertain significance.

Labcorp Genetics (formerly Invitae), Labcorp
Classification: Uncertain significance for Combined oxidative phosphorylation defect type 27. Last evaluated: 2022-11-01. Review status: criteria provided, single submitter. Criteria: Invitae Variant Classification Sherloc (09022015). Collection method: clinical testing. Allele origin: germline.
Comment: This sequence change replaces valine, which is neutral and non-polar, with isoleucine, which is neutral and non-polar, at codon 82 of the CARS2 protein (p.Val82Ile). This variant is present in population databases (rs117788141, gnomAD 0.09%), and has an allele count higher than expected for a pathogenic variant. This variant has not been reported in the literature in individuals affected with CARS2-related conditions. ClinVar contains an entry for this variant (Variation ID: 542307). Advanced modeling of protein sequence and biophysical properties (such as structural, functional, and spatial information, amino acid conservation, physicochemical variation, residue mobility, and thermodynamic stability) performed at Invitae indicates that this missense variant is not expected to disrupt CARS2 protein function. In summary, the available evidence is currently insufficient to determine the role of this variant in disease. Therefore, it has been classified as a Variant of Uncertain Significance.

GeneDx
Classification: Likely benign. Last evaluated: 2021-08-13. Review status: criteria provided, single submitter. Criteria: GeneDx Variant Classification Process June 2021. Collection method: clinical testing. Allele origin: germline. Affected: yes.

Revvity Omics, Revvity
Classification: Uncertain significance for Combined oxidative phosphorylation defect type 27. Last evaluated: 2019-04-02. Review status: criteria provided, single submitter. Criteria: ACMG Guidelines, 2015. Collection method: clinical testing. Allele origin: germline.